The following is an entry in ClinVar:

ClinVar aggregate classification (germline): Likely pathogenic (1 of 4 stars; one submission).

Conditions:
Deafness with labyrinthine aplasia, microtia, and microdontia. Also called: DEAFNESS WITH LAMM; DEAFNESS, CONGENITAL, WITH LABYRINTHINE APLASIA, MICROTIA, AND MICRODONTIA; Congenital Deafness with Inner Ear Agenesis, Microtia, and Microdontia. Identifiers: Orphanet 90024, MedGen C1853144, MONDO:0012541, OMIM 610706.

Submission:

Women's Health and Genetics/Laboratory Corporation of America, LabCorp
Classification: Likely pathogenic for Deafness with labyrinthine aplasia, microtia, and microdontia. Last evaluated: 2022-03-14. Review status: criteria provided, single submitter. Criteria: LabCorp Variant Classification Summary - May 2015. Collection method: clinical testing. Allele origin: germline.
Comment: Variant summary: FGF3 c.431delG (p.Arg144ProfsX14) located in the last exon results in a premature termination codon, predicted to cause a truncation of the encoded protein or absence of the protein due to nonsense mediated decay, which are commonly known mechanisms for disease. Truncations downstream of this position have not been observed at our laboratory but have been reported with an associated phenotype Deafness with labyrinthine aplasia microtia and microdontia in the HGMD database. The variant was absent in 248428 control chromosomes. To our knowledge, no occurrence of c.431delG in individuals affected with Deafness With Labyrinthine Aplasia Microtia And Microdontia and no experimental evidence demonstrating its impact on protein function have been reported. No clinical diagnostic laboratories have submitted clinical-significance assessments for this variant to ClinVar after 2014. Based on the evidence outlined above, the variant was classified as likely pathogenic.

NM_005247.4(FGF3):c.431del (p.Arg144fs)

Gene: FGF3 (fibroblast growth factor 3; minus strand). Cytogenetic location: 11q13.3.
Variant type: Deletion.
Coding change: c.431del on transcript NM_005247.4 (MANE Select); coding-DNA position 431, one base deleted (G; older notation c.431delG).
Protein change: p.Arg144fs; shifts the reading frame from arginine 144.
Molecular consequence: frameshift variant.
Genome position (GRCh38, 1-based): chr11:69,810,594, C deleted on the plus strand (G on the coding strand, the reverse complement: FGF3 is on the minus strand). VCF-style (leftmost placement, unchanged base first): chr11-69810593-GC-G. GRCh37 (hg19) VCF-style: chr11-69625361-GC-G.
Other names: short protein forms R144fs.
Identifiers: ClinVar variation 1677104 (VCV001677104.1), dbSNP rs2119905910, ClinGen allele CA2573147562.